The following is an entry in ClinVar:

ClinVar aggregate classification (germline): Pathogenic (0 of 4 stars; one submission).

Conditions:
FYCO1-related disorder. Also called: FYCO1-related condition.

Allele frequency attached by ClinVar (database versions not stated): gnomAD exomes 0.00001.
gnomAD v4.1: 8 of 1,614,072 alleles (0.0005%); highest among the groups gnomAD compares: Non-Finnish European, 0.00068%; no homozygotes.

Submission:

PreventionGenetics, part of Exact Sciences
Classification: Pathogenic for FYCO1-related condition. Last evaluated: 2024-01-19. Review status: no assertion criteria provided. Collection method: clinical testing. Allele origin: germline.
Comment: The FYCO1 c.3270-2A>C variant is predicted to disrupt the AG splice acceptor site and interfere with normal splicing. To our knowledge, this variant has not been reported in the literature. This variant is reported in 0.00088% of alleles in individuals of European (Non-Finnish) descent in gnomAD. Variants that disrupt the consensus splice acceptor site in FYCO1 are expected to be pathogenic. This variant is interpreted as pathogenic.

NM_024513.4(FYCO1):c.3270-2A>C

Gene: FYCO1 (FYVE and coiled-coil domain autophagy adaptor 1; minus strand). Cytogenetic location: 3p21.31.
Variant type: single nucleotide variant.
Coding change: c.3270-2A>C on transcript NM_024513.4 (MANE Select); the canonical splice acceptor site of the intron before coding-DNA position 3270, A replaced by C.
Molecular consequence: splice acceptor variant.
Genome position (GRCh38, 1-based): chr3:45,962,394, T>G on the plus strand (A>C on the coding strand, the complement: FYCO1 is on the minus strand). VCF-style: chr3-45962394-T-G. GRCh37 (hg19) VCF-style: chr3-46003886-T-G.
Other names: c.2670-2A>C (NM_001386430.1); c.3150-2A>C (NM_001386426.1); c.3126-2A>C (NM_001386427.1); c.3270-2A>C (NM_001386423.1, NM_001386429.1, NM_001386425.1 and 4 more transcripts).
Identifiers: ClinVar variation 3046836 (VCV003046836.2), dbSNP rs933498193, ClinGen allele CA73677153.